The following is an entry in ClinVar:

NM_005476.7(GNE):c.1264G>A (p.Ala422Thr)

Gene: GNE (glucosamine (UDP-N-acetyl)-2-epimerase/N-acetylmannosamine kinase; minus strand). Cytogenetic location: 9p13.3.
Variant type: single nucleotide variant.
Coding change: c.1264G>A on transcript NM_005476.7 (MANE Select); coding-DNA position 1264, G replaced by A.
Protein change: p.Ala422Thr; replaces alanine 422 with threonine.
Molecular consequence: missense variant.
Genome position (GRCh38, 1-based): chr9:36,227,265, C>T on the plus strand (G>A on the coding strand, the complement: GNE is on the minus strand). VCF-style: chr9-36227265-C-T. GRCh37 (hg19) VCF-style: chr9-36227262-C-T.
Other names: c.1357G>A, p.Ala453Thr (NM_001128227.3); c.1264G>A, p.Ala422Thr (NM_001190383.3); c.934G>A, p.Ala312Thr (NM_001190384.3); c.1087G>A, p.Ala363Thr (NM_001190388.2, NM_001374798.1); c.1111G>A, p.Ala371Thr (NM_001374797.1); c.1357G>A (NM_001128227.2); short protein forms A312T, A371T, A363T, A422T, A453T.
Identifiers: ClinVar variation 1513910 (VCV001513910.9), dbSNP rs1828910974, ClinGen allele CA373428538.

ClinVar aggregate classification (germline): Conflicting classifications of pathogenicity. Review status: criteria provided, conflicting classifications (1 of 4 stars). 2 submissions from 2 submitters: Likely pathogenic (1); Uncertain significance (1). Last evaluated 2025-09-02.

Conditions:
GNE myopathy (NM). Also called: MYOPATHY, DISTAL, WITH OR WITHOUT RIMMED VACUOLES; NONAKA DISTAL MYOPATHY; INCLUSION BODY MYOPATHY, HEREDITARY, AUTOSOMAL RECESSIVE; INCLUSION BODY MYOPATHY 2, AUTOSOMAL RECESSIVE; IBM 2; Inclusion body myopathy autosomal recessive. Identifiers: Orphanet 602, MedGen C1853926, MONDO:0011603, OMIM 605820.
Sialuria. Also called: Sialic Acid Storage Disease; SIALURIA, FRENCH TYPE. Identifiers: Orphanet 3166, MedGen C0342853, MONDO:0010028, OMIM 269921.

Allele frequency attached by ClinVar (database versions not stated): gnomAD exomes below 0.00001.
gnomAD v4.1: 1 of 1,611,266 alleles (0.000062%); highest among the groups gnomAD compares: Admixed American, 0.0017%; no homozygotes.

Submissions (2):

Labcorp Genetics (formerly Invitae), Labcorp
Classification: Likely pathogenic for Sialuria; GNE myopathy. Last evaluated: 2025-09-02. Review status: criteria provided, single submitter. Criteria: Invitae Variant Classification Sherloc (09022015). Collection method: clinical testing. Allele origin: germline.
Comment: This sequence change replaces alanine, which is neutral and non-polar, with threonine, which is neutral and polar, at codon 453 of the GNE protein (p.Ala453Thr). This variant is not present in population databases (gnomAD no frequency). This missense change has been observed in individuals with clinical features of autosomal recessive distal myopathy (internal data). ClinVar contains an entry for this variant (Variation ID: 1513910). Invitae Evidence Modeling of protein sequence and biophysical properties (such as structural, functional, and spatial information, amino acid conservation, physicochemical variation, residue mobility, and thermodynamic stability) has been performed for this missense variant. However, the output from this modeling did not meet the statistical confidence thresholds required to predict the impact of this variant on GNE protein function. In summary, the currently available evidence indicates that the variant is pathogenic, but additional data are needed to prove that conclusively. Therefore, this variant has been classified as Likely Pathogenic.

Revvity Omics, Revvity
Classification: Uncertain significance. Last evaluated: 2020-12-22. Review status: criteria provided, single submitter. Criteria: ACMG Guidelines, 2015. Collection method: clinical testing. Allele origin: germline.